The following is an entry in ClinVar:

NM_000276.4(OCRL):c.2464C>T (p.Arg822Ter)

Gene: OCRL (OCRL inositol polyphosphate-5-phosphatase; plus strand). Cytogenetic location: Xq26.1.
Variant type: single nucleotide variant.
Coding change: c.2464C>T on transcript NM_000276.4 (MANE Select); coding-DNA position 2464, C replaced by T.
Protein change: p.Arg822Ter; replaces arginine 822 with a stop codon.
Molecular consequence: nonsense.
Genome position (GRCh38, 1-based): chrX:129,589,008, C>T. VCF-style: chrX-129589008-C-T. GRCh37 (hg19) VCF-style: chrX-128722985-C-T.
Other names: c.2467C>T, p.Arg823Ter (NM_001318784.2); c.2440C>T, p.Arg814Ter (NM_001587.4); short protein forms R814*, R822*, R823*.
Identifiers: ClinVar variation 641377 (VCV000641377.11), dbSNP rs1602819835, ClinGen allele CA414631575.

ClinVar aggregate classification (germline): Pathogenic. Review status: criteria provided, multiple submitters, no conflicts (2 of 4 stars). 4 submissions from 4 submitters: Pathogenic (4). Last evaluated 2024-01-22.

Conditions:
Dent disease type 2. Identifiers: Orphanet 1652, Orphanet 93623, MedGen C1845167, MONDO:0010359, OMIM 300555.
Lowe syndrome (OCRL). Also called: PHOSPHATIDYLINOSITOL 4,5-BISPHOSPHATE 5-PHOSPHATASE DEFICIENCY; LOWE OCULOCEREBRORENAL SYNDROME; Oculocerebrorenal Syndrome. Identifiers: Orphanet 534, MedGen C0028860, MONDO:0010645, OMIM 309000.

Submissions (4):

GeneDx
Classification: Pathogenic. Last evaluated: 2024-01-22. Review status: criteria provided, single submitter. Criteria: GeneDx Variant Classification Process June 2021. Collection method: clinical testing. Allele origin: germline. Affected: yes.
Comment: Nonsense variant predicted to result in protein truncation or nonsense mediated decay in a gene for which loss of function is a known mechanism of disease; Not observed at significant frequency in large population cohorts (gnomAD); This variant is associated with the following publications: (PMID: 25525159, 31328266, 31376231, 31674016, 25480730, 21031565, 35919034)

Labcorp Genetics (formerly Invitae), Labcorp
Classification: Pathogenic for Lowe syndrome. Last evaluated: 2023-09-20. Review status: criteria provided, single submitter. Criteria: Invitae Variant Classification Sherloc (09022015). Collection method: clinical testing. Allele origin: germline.
Comment: This sequence change creates a premature translational stop signal (p.Arg822*) in the OCRL gene. It is expected to result in an absent or disrupted protein product. Loss-of-function variants in OCRL are known to be pathogenic (PMID: 19390221, 21031565, 22381590). This variant is not present in population databases (gnomAD no frequency). This premature translational stop signal has been observed in individual(s) with clinical features of Lowe syndrome (PMID: 21031565, 25480730). ClinVar contains an entry for this variant (Variation ID: 641377). For these reasons, this variant has been classified as Pathogenic.

3billion
Classification: Pathogenic for Lowe syndrome. Last evaluated: 2023-02-23. Review status: criteria provided, single submitter. Criteria: ACMG Guidelines, 2015. Collection method: clinical testing. Allele origin: unknown. Affected: yes.
Comment: The variant is not observed in the gnomAD v2.1.1 dataset. This variant was predicted to result in a loss or disruption of normal protein function through nonsense-mediated decay (NMD) or protein truncation. Multiple pathogenic variants are reported downstream of the variant. The variant has been reported at least twice as pathogenic without evidence for the classification (ClinVar ID: VCV000641377 / PMID: 21031565). Therefore, this variant is classified as Pathogenic according to the recommendation of ACMG/AMP guideline.

HudsonAlpha Institute for Biotechnology
Classification: Pathogenic for Dent disease type 2. Last evaluated: 2019-03-29. Review status: criteria provided, single submitter. Criteria: ACMG Guidelines, 2015. Collection method: research. Allele origin: maternal. Affected: yes. Observed: 1 variant allele. Study: HudsonAlpha-AGHI-WGS.

Literature cited by the submitters: PubMed 19390221 (cited by Labcorp Genetics (formerly Invitae), Labcorp); PubMed 21031565 (cited by Labcorp Genetics (formerly Invitae), Labcorp and 3billion); PubMed 22381590 (cited by Labcorp Genetics (formerly Invitae), Labcorp); PubMed 25480730 (cited by Labcorp Genetics (formerly Invitae), Labcorp).